The following is an entry in ClinVar:

NM_000057.4(BLM):c.3276T>A (p.Ser1092Arg)

Gene: BLM (BLM RecQ like helicase; plus strand). Cytogenetic location: 15q26.1.
Variant type: single nucleotide variant.
Coding change: c.3276T>A on transcript NM_000057.4 (MANE Select); coding-DNA position 3276, T replaced by A.
Protein change: p.Ser1092Arg; replaces serine 1092 with arginine.
Molecular consequence: missense variant.
Genome position (GRCh38, 1-based): chr15:90,798,255, T>A. VCF-style: chr15-90798255-T-A. GRCh37 (hg19) VCF-style: chr15-91341485-T-A.
Other names: c.3276T>A, p.Ser1092Arg (NM_001287246.2, NM_001287247.2); c.2151T>A, p.Ser717Arg (NM_001287248.2); short protein forms S1092R, S717R.
Identifiers: ClinVar variation 1729676 (VCV001729676.2), dbSNP rs756576705, ClinGen allele CA7738980.

ClinVar aggregate classification (germline): Uncertain significance (1 of 4 stars; one submission).

Conditions:
Hereditary cancer-predisposing syndrome. Also called: Neoplastic Syndromes, Hereditary; Tumor predisposition; Hereditary Cancer Syndrome; Hereditary neoplastic syndrome. Identifiers: Orphanet 140162, MedGen C0027672, MeSH D009386, MONDO:0015356.

Allele frequency attached by ClinVar (database versions not stated): ExAC 0.00001; gnomAD exomes 0.00001.

Submission:

Ambry Genetics
Classification: Uncertain significance for Hereditary cancer-predisposing syndrome. Last evaluated: 2021-08-17. Review status: criteria provided, single submitter. Criteria: Ambry Variant Classification Scheme 2023. Collection method: clinical testing. Allele origin: germline.
Comment: The p.S1092R variant (also known as c.3276T>A), located in coding exon 16 of the BLM gene, results from a T to A substitution at nucleotide position 3276. The serine at codon 1092 is replaced by arginine, an amino acid with dissimilar properties. This amino acid position is conserved. In addition, this alteration is predicted to be tolerated by in silico analysis. Since supporting evidence is limited at this time, the clinical significance of this alteration remains unclear.